The following is an entry in ClinVar:

NM_001369.3(DNAH5):c.12147_12156del (p.Ser4050fs)

Gene: DNAH5 (dynein axonemal heavy chain 5; minus strand). Cytogenetic location: 5p15.2.
Variant type: Deletion.
Coding change: c.12147_12156del on transcript NM_001369.3 (MANE Select); coding-DNA positions 12147 to 12156, 10 bases deleted (GTCTATGGGC; older notation c.12147_12156delGTCTATGGGC).
Protein change: p.Ser4050fs; shifts the reading frame from serine 4050.
Molecular consequence: frameshift variant.
Genome position (GRCh38, 1-based): chr5:13,721,123-13,721,132, GCCCATAGAC deleted on the plus strand (GTCTATGGGC on the coding strand, the reverse complement: DNAH5 is on the minus strand). VCF-style (leftmost placement, unchanged base first): chr5-13721122-AGCCCATAGAC-A. GRCh37 (hg19) VCF-style: chr5-13721231-AGCCCATAGAC-A.
Other names: short protein forms S4050fs.
Identifiers: ClinVar variation 4814855 (VCV004814855.1).
Genomic context (GRCh38, chr5:13,721,122, plus strand): 5'-CATAACGGGTTTCTATTTTTAATCTCTTCCCCAAGGCAATGATGGAATCTGTGGGGTCTG[AGCCCATAGAC>A]AGGAGACAGATGAGTGGCGTCCGTGGATCAGATTCCTCCCACGTCTTCTCCAAGTCTAAA-3'

ClinVar aggregate classification (germline): Likely pathogenic (1 of 4 stars; one submission).

Conditions:
Primary ciliary dyskinesia. Also called: Ciliary dyskinesia. Identifiers: Orphanet 244, MedGen C0008780, MONDO:0016575, HP:0012265.

Submission:

Natera, Inc.
Classification: Likely pathogenic for Primary ciliary dyskinesia. Last evaluated: 2025-07-16. Review status: criteria provided, single submitter. Criteria: Natera Variant Classification Schema (03/2026). Collection method: clinical testing. Allele origin: germline.
Comment: The c.12147_12156del variant in DNAH5 is a frameshift variant predicted to shift the reading frame beginning at codon 4050 and leads to a stop codon 14 codons downstream. This variant is expected to result in nonsense mediated decay, truncation, or a dysfunctional protein product. This variant is rare in the general population with a frequency below the threshold expected for the associated phenotype(s). Given the available evidence, this variant is classified as Likely Pathogenic.